The following is an entry in ClinVar:

ClinVar aggregate classification (germline): Benign. Review status: criteria provided, multiple submitters, no conflicts (2 of 4 stars). 7 submissions from 7 submitters: Benign (5). 2 of the submissions do not count toward it. Last evaluated 2026-01-19.

Conditions:
Cataract 18 (CATC2). Also called: CATARACT 18, AUTOSOMAL RECESSIVE. Identifiers: Orphanet 91492, Orphanet 98991, Orphanet 98992, Orphanet 98995, MedGen C1864908, MONDO:0012395, OMIM 610019.

Allele frequency attached by ClinVar (database versions not stated): 1000 Genomes Project 30x 0.00422; 1000 Genomes Project 0.00459; ESP Exome Variant Server 0.00808; gnomAD 0.00812 and 0.00840; TOPMed 0.00885; ExAC 0.01046; gnomAD exomes 0.01066 and 0.01070.
gnomAD v4.1: 16,743 of 1,613,566 alleles (1%); highest among the groups gnomAD compares: Admixed American, 2.1%; 108 homozygotes.

Submissions (7):

Labcorp Genetics (formerly Invitae), Labcorp
Classification: Benign for Cataract 18. Last evaluated: 2026-01-19. Review status: criteria provided, single submitter. Criteria: Invitae Variant Classification Sherloc (09022015). Collection method: clinical testing. Allele origin: germline.

GeneDx
Classification: Benign. Last evaluated: 2020-05-21. Review status: criteria provided, single submitter. Criteria: GeneDx Variant Classification Process June 2021. Collection method: clinical testing. Allele origin: germline. Affected: yes.

Illumina Laboratory Services, Illumina
Classification: Benign for Cataract 18. Last evaluated: 2018-01-12. Review status: criteria provided, single submitter. Criteria: ICSL Variant Classification Criteria 13 December 2019. Collection method: clinical testing. Allele origin: germline.
Comment: This variant was observed in the ICSL laboratory as part of a predisposition screen in an ostensibly healthy population. It had not been previously curated by ICSL or reported in the Human Gene Mutation Database (HGMD: prior to June 1st, 2018), and was therefore a candidate for classification through an automated scoring system. Utilizing variant allele frequency, disease prevalence and penetrance estimates, and inheritance mode, an automated score was calculated to assess if this variant is too frequent to cause the disease. Based on the score and internal cut-off values, a variant classified as benign is not then subjected to further curation. The score for this variant resulted in a classification of benign for this disease.

Breakthrough Genomics
Classification: Benign. Review status: criteria provided, single submitter. Criteria: ACMG Guidelines, 2015. Collection method: not provided. Allele origin: germline. Inheritance: Autosomal recessive inheritance. Affected: yes.

PreventionGenetics, part of Exact Sciences
Classification: Benign. Review status: criteria provided, single submitter. Criteria: ACMG Guidelines, 2015. Collection method: clinical testing. Allele origin: germline.

Clinical Genetics DNA and cytogenetics Diagnostics Lab, Erasmus MC, Erasmus Medical Center
Classification: Likely benign. Review status: no assertion criteria provided. Collection method: clinical testing. Allele origin: germline. Affected: yes. Study: VKGL Data-share Consensus. Not counted in ClinVar's aggregate classification.

Laboratory of Diagnostic Genome Analysis, Leiden University Medical Center (LUMC)
Classification: Likely benign. Review status: no assertion criteria provided. Collection method: clinical testing. Allele origin: germline. Affected: yes. Study: VKGL Data-share Consensus. Not counted in ClinVar's aggregate classification.

NM_024513.4(FYCO1):c.1843C>T (p.Arg615Trp)

Gene: FYCO1 (FYVE and coiled-coil domain autophagy adaptor 1; minus strand). Cytogenetic location: 3p21.31.
Variant type: single nucleotide variant.
Coding change: c.1843C>T on transcript NM_024513.4 (MANE Select); coding-DNA position 1843, C replaced by T.
Protein change: p.Arg615Trp; replaces arginine 615 with tryptophan.
Molecular consequence: missense variant.
Genome position (GRCh38, 1-based): chr3:45,967,491, G>A on the plus strand (C>T on the coding strand, the complement: FYCO1 is on the minus strand). VCF-style: chr3-45967491-G-A. GRCh37 (hg19) VCF-style: chr3-46008983-G-A.
Other names: short protein forms R615W.
Identifiers: ClinVar variation 261721 (VCV000261721.20), dbSNP rs149507450, ClinGen allele CA2353175.
Genomic context (GRCh38, chr3:45,967,491, plus strand): 5'-GGAGCTGGTTACGCCCGACCACATTCTGTAGCTCCTTCTCCAGCTCCCTGTTGGCCTGCC[G>A]GAGCTCTTCCTCCTGGCTGCCCTCTTGCACCTTGGTATCGTCTAACTGTGCCTCCTGCAG-3'
Protein context (NP_078789.2, residues 605-625): VQEGSQEEEL[Arg615Trp]QANRELEKEL